The following is an entry in ClinVar:

ClinVar aggregate classification (germline): Uncertain significance. Review status: criteria provided, multiple submitters, no conflicts (2 of 4 stars). 2 submissions from 2 submitters: Uncertain significance (2). Last evaluated 2025-06-25.

Conditions:
Hereditary cancer-predisposing syndrome. Also called: Tumor predisposition; Hereditary neoplastic syndrome; Hereditary Cancer Syndrome; Neoplastic Syndromes, Hereditary. Identifiers: Orphanet 140162, MedGen C0027672, MeSH D009386, MONDO:0015356.

Allele frequency attached by ClinVar (database versions not stated): gnomAD exomes below 0.00001; gnomAD 0.00001; TOPMed 0.00002.

Submissions (2):

Labcorp Genetics (formerly Invitae), Labcorp
Classification: Uncertain significance. Last evaluated: 2025-06-25. Review status: criteria provided, single submitter. Criteria: Invitae Variant Classification Sherloc (09022015). Collection method: clinical testing. Allele origin: germline.
Comment: This sequence change replaces cysteine, which is neutral and slightly polar, with tyrosine, which is neutral and polar, at codon 100 of the HOXB13 protein (p.Cys100Tyr). This variant is not present in population databases (gnomAD no frequency). This missense change has been observed in individual(s) with prostate cancer (PMID: 34799695). ClinVar contains an entry for this variant (Variation ID: 1462675). Invitae Evidence Modeling of protein sequence and biophysical properties (such as structural, functional, and spatial information, amino acid conservation, physicochemical variation, residue mobility, and thermodynamic stability) indicates that this missense variant is not expected to disrupt HOXB13 protein function with a negative predictive value of 80%. In summary, the available evidence is currently insufficient to determine the role of this variant in disease. Therefore, it has been classified as a Variant of Uncertain Significance.

Ambry Genetics
Classification: Uncertain significance for Hereditary cancer-predisposing syndrome. Last evaluated: 2024-09-06. Review status: criteria provided, single submitter. Criteria: Ambry Variant Classification Scheme 2023. Collection method: clinical testing. Allele origin: germline.
Comment: The p.C100Y variant (also known as c.299G>A), located in coding exon 1 of the HOXB13 gene, results from a G to A substitution at nucleotide position 299. The cysteine at codon 100 is replaced by tyrosine, an amino acid with highly dissimilar properties. This amino acid position is highly conserved in available vertebrate species. In addition, the in silico prediction for this alteration is inconclusive. Based on the available evidence, the clinical significance of this variant remains unclear.

Literature cited by the submitters: PubMed 34799695 (cited by Labcorp Genetics (formerly Invitae), Labcorp).

NM_006361.6(HOXB13):c.299G>A (p.Cys100Tyr)

Gene: HOXB13 (homeobox B13; minus strand). Cytogenetic location: 17q21.32.
Variant type: single nucleotide variant.
Coding change: c.299G>A on transcript NM_006361.6 (MANE Select); coding-DNA position 299, G replaced by A.
Protein change: p.Cys100Tyr; replaces cysteine 100 with tyrosine.
Molecular consequence: missense variant.
Genome position (GRCh38, 1-based): chr17:48,728,295, C>T on the plus strand (G>A on the coding strand, the complement: HOXB13 is on the minus strand). VCF-style: chr17-48728295-C-T. GRCh37 (hg19) VCF-style: chr17-46805657-C-T.
Other names: short protein forms C100Y.
Identifiers: ClinVar variation 1462675 (VCV001462675.9), dbSNP rs1555558641, ClinGen allele CA400107741.